The following is an entry in ClinVar:

NC_000019.9:g.(?_13318860)_(13325442_?)dup

Gene: CACNA1A (calcium voltage-gated channel subunit alpha1 A; minus strand). Cytogenetic location: 19p13.2.
Variant type: Duplication.
Identifiers: ClinVar variation 3248507 (VCV003248507.1).

ClinVar aggregate classification (germline): Uncertain significance (1 of 4 stars; one submission).

Conditions:
Episodic ataxia type 2 (EA2). Also called: ATAXIA, EPISODIC, WITH NYSTAGMUS; ATAXIA, FAMILIAL PAROXYSMAL; CEREBELLAR ATAXIA, PAROXYSMAL, ACETAZOLAMIDE-RESPONSIVE; CEREBELLOPATHY, HEREDITARY PAROXYSMAL; EPISODIC ATAXIA, NYSTAGMUS-ASSOCIATED; ACETAZOLAMIDE-RESPONSIVE HEREDITARY PAROXYSMAL CEREBELLAR ATAXIA. Identifiers: Orphanet 97, MedGen C1720416, MONDO:0007163, OMIM 108500.
Developmental and epileptic encephalopathy, 42 (DEE42A). Also called: DEVELOPMENTAL AND EPILEPTIC ENCEPHALOPATHY 42A; EPILEPTIC ENCEPHALOPATHY, EARLY INFANTILE, 42A; Epileptic encephalopathy, early infantile, 42. Identifiers: MedGen C4310716, MONDO:0014917, OMIM 617106.

Submission:

Labcorp Genetics (formerly Invitae), Labcorp
Classification: Uncertain significance for Developmental and epileptic encephalopathy, 42; Episodic ataxia type 2. Last evaluated: 2023-10-16. Review status: criteria provided, single submitter. Criteria: Invitae Variant Classification Sherloc (09022015). Collection method: clinical testing. Allele origin: unknown.
Comment: This variant results in a copy number gain of the genomic region encompassing exon(s) 39-47 of the CACNA1A gene. This region includes the termination codon of the gene. This copy number gain extends beyond the assayed region for this gene and therefore may encompass additional genes. As the precise location of this event is unknown, it may be in tandem or it may be located elsewhere in the genome. This variant has not been reported in the literature in individuals affected with CACNA1A-related conditions. Experimental studies and prediction algorithms are not available or were not evaluated, and the functional significance of this variant is currently unknown. In summary, the available evidence is currently insufficient to determine the role of this variant in disease. Therefore, it has been classified as a Variant of Uncertain Significance.